The following is an entry in ClinVar:

ClinVar aggregate classification (germline): Conflicting classifications of pathogenicity. Review status: criteria provided, conflicting classifications (1 of 4 stars). 10 submissions from 6 submitters: Uncertain significance (9); Likely benign (1). Last evaluated 2026-08-21.

Conditions:
Autosomal recessive limb-girdle muscular dystrophy type 2J (LGMDR10). Also called: Limb-girdle muscular dystrophy, type 2J; MUSCULAR DYSTROPHY, LIMB-GIRDLE, AUTOSOMAL RECESSIVE 10. Identifiers: Orphanet 140922, MedGen C1837342, MONDO:0012127, OMIM 608807.
Dilated cardiomyopathy 1G (CMD1G). Identifiers: Orphanet 154, MedGen C1858763, MONDO:0011400, OMIM 604145.
TTN-related disorder. Also called: TTN-related condition; TTN-related disease; TTN-related disorders.
Hypertrophic cardiomyopathy 9. Also called: Familial hypertrophic cardiomyopathy 9. Identifiers: MedGen C1861065, MONDO:0013412, OMIM 613765.
Myopathy, myofibrillar, 9, with early respiratory failure (MFM9). Also called: Hereditary myopathy with early respiratory failure; MYOPATHY, PROXIMAL, WITH EARLY RESPIRATORY MUSCLE INVOLVEMENT; EDSTROM MYOPATHY; Myopathy, distal, with early respiratory failure, autosomal dominant. Identifiers: Orphanet 178464, Orphanet 34521, MedGen C1863599, MONDO:0011362, OMIM 603689.
Tibial muscular dystrophy (TMD). Also called: Udd Distal Myopathy – Tibial Muscular Dystrophy; UDD MYOPATHY; Tibial muscular dystrophy, tardive. Identifiers: Orphanet 609, MedGen C1838244, MONDO:0010870, OMIM 600334.
Early-onset myopathy with fatal cardiomyopathy (CMYO5). Also called: Salih Myopathy; CONGENITAL MYOPATHY 5 WITH CARDIOMYOPATHY. Identifiers: Orphanet 289377, MedGen C2673677, MONDO:0012714, OMIM 611705. Disease mechanism: loss of function.

Allele frequency attached by ClinVar (database versions not stated): gnomAD 0.00001; gnomAD exomes 0.00001 and 0.00002; TOPMed 0.00001; ExAC 0.00002.
gnomAD v4.1: 14 of 1,613,342 alleles (0.00087%); highest among the groups gnomAD compares: South Asian, 0.0055%; no homozygotes.

Submissions (10):

PreventionGenetics, part of Exact Sciences
Classification: Uncertain significance for TTN-related condition. Last evaluated: 2026-08-21. Review status: criteria provided, single submitter. Criteria: ACMG Guidelines, 2015. Collection method: clinical testing. Allele origin: germline.
Comment: The TTN c.74339G>A variant is predicted to result in the amino acid substitution p.Arg24780Gln. This variant, referred to as c.66635G>A (p.Arg22212Gln) in the alternate transcript NM_133378, has been reported as a de novo finding in autism spectrum disorder cohorts (see for example, Supplemental Table 2, Iossifov et al. 2014. PubMed ID: 25363768; Supplementary Table 20, Fu et al. 2022. PubMed ID: 35982160; Supplementary Data 1, Zhou et al. 2022. PubMed ID: 35982159). However, this variant has not been reported in patients with established TTN-related disorders. This variant is reported in 0.0098% of alleles in individuals of South Asian descent in gnomAD and has conflicting classifications in ClinVar ranging from likely benign to uncertain (467465). At this time, the clinical significance of this variant is uncertain due to the absence of conclusive functional and genetic evidence.

Molecular Diagnostic Laboratory for Inherited Cardiovascular Disease, Montreal Heart Institute
Classification: Likely benign. Last evaluated: 2025-04-09. Review status: criteria provided, single submitter. Criteria: ACMG Guidelines, 2015. Collection method: clinical testing. Allele origin: germline. Affected: no.

Fulgent Genetics
Classification: Uncertain significance for Tibial muscular dystrophy; Myopathy, myofibrillar, 9, with early respiratory failure; Dilated cardiomyopathy 1G; Autosomal recessive limb-girdle muscular dystrophy type 2J; Early-onset myopathy with fatal cardiomyopathy; Hypertrophic cardiomyopathy 9. Last evaluated: 2024-06-05. Review status: criteria provided, single submitter. Criteria: ACMG Guidelines, 2015. Collection method: clinical testing. Allele origin: germline.

Revvity Omics, Revvity
Classification: Uncertain significance. Last evaluated: 2022-12-22. Review status: criteria provided, single submitter. Criteria: ACMG Guidelines, 2015. Collection method: clinical testing. Allele origin: germline.

Illumina Laboratory Services, Illumina
Classification: Uncertain significance for Tibial muscular dystrophy. Last evaluated: 2017-04-27. Review status: criteria provided, single submitter. Criteria: ICSL Variant Classification Criteria 13 December 2019. Collection method: clinical testing. Allele origin: germline.

Illumina Laboratory Services, Illumina
Classification: Uncertain significance for Dilated cardiomyopathy 1G. Last evaluated: 2017-04-27. Review status: criteria provided, single submitter. Criteria: ICSL Variant Classification Criteria 13 December 2019. Collection method: clinical testing. Allele origin: germline.

Illumina Laboratory Services, Illumina
Classification: Uncertain significance for Autosomal recessive limb-girdle muscular dystrophy type 2J. Last evaluated: 2017-04-27. Review status: criteria provided, single submitter. Criteria: ICSL Variant Classification Criteria 13 December 2019. Collection method: clinical testing. Allele origin: germline.

Illumina Laboratory Services, Illumina
Classification: Uncertain significance for Early-onset myopathy with fatal cardiomyopathy. Last evaluated: 2017-04-27. Review status: criteria provided, single submitter. Criteria: ICSL Variant Classification Criteria 13 December 2019. Collection method: clinical testing. Allele origin: germline.

Illumina Laboratory Services, Illumina
Classification: Uncertain significance for Myopathy, myofibrillar, 9, with early respiratory failure. Last evaluated: 2017-04-27. Review status: criteria provided, single submitter. Criteria: ICSL Variant Classification Criteria 13 December 2019. Collection method: clinical testing. Allele origin: germline.

Labcorp Genetics (formerly Invitae), Labcorp
Classification: Uncertain significance for Dilated cardiomyopathy 1G; Autosomal recessive limb-girdle muscular dystrophy type 2J. Last evaluated: 2017-03-21. Review status: criteria provided, single submitter. Criteria: Invitae Variant Classification Sherloc (09022015). Collection method: clinical testing. Allele origin: germline.

NM_001267550.2(TTN):c.74339G>A (p.Arg24780Gln)

Genes: TTN (titin; minus strand), TTN-AS1 (TTN antisense RNA 1; plus strand). Cytogenetic location: 2q31.2.
Variant type: single nucleotide variant.
Coding change: c.74339G>A on transcript NM_001267550.2 (MANE Select); coding-DNA position 74339, G replaced by A.
Protein change: p.Arg24780Gln; replaces arginine 24780 with glutamine.
Molecular consequence: missense variant.
Genome position (GRCh38, 1-based): chr2:178,571,793, C>T on the plus strand (G>A on the coding strand, the complement: TTN is on the minus strand). VCF-style: chr2-178571793-C-T. GRCh37 (hg19) VCF-style: chr2-179436520-C-T.
Other names: c.69416G>A, p.Arg23139Gln (NM_001256850.1); c.47144G>A, p.Arg15715Gln (NM_003319.4); c.66635G>A, p.Arg22212Gln (NM_133378.4); c.47519G>A, p.Arg15840Gln (NM_133432.3); c.47720G>A, p.Arg15907Gln (NM_133437.4); short protein forms R24780Q, R15840Q, R15907Q, R22212Q, R15715Q, R23139Q.
Identifiers: ClinVar variation 467465 (VCV000467465.13), dbSNP rs776673912, ClinGen allele CA1990209.
Genomic context (GRCh38, chr2:178,571,793, plus strand): 5'-GTTTCAATAGCTTCACCAGCTGAGTTAGTCAGTTTAACCACATAATGGCCAACATCTTCT[C>T]GGCAGGCGTCCTTTATTGTCAGTAGTGAATTATTTTCTGTGCTCTCTGCATTTACTCTAG-3'
Protein context (NP_001254479.2, residues 24770-24790): NSLLTIKDAC[Arg24780Gln]EDVGHYVVKL